The following is an entry in ClinVar:

ClinVar aggregate classification (germline): Likely pathogenic (1 of 4 stars; one submission).

Submission:

CeGaT Center for Human Genetics Tuebingen
Classification: Likely pathogenic. Last evaluated: 2026-06-01. Review status: criteria provided, single submitter. Criteria: CeGaT Center For Human Genetics Tuebingen Variant Classification Criteria Version 2. Collection method: clinical testing. Allele origin: germline. Affected: yes. Observed: 1 variant allele.
Comment: ZFHX4: PVS1:Strong, PM2

NM_024721.5(ZFHX4):c.4321A>T (p.Lys1441Ter)

Gene: ZFHX4 (zinc finger homeobox 4; plus strand). Cytogenetic location: 8q21.13.
Variant type: single nucleotide variant.
Coding change: c.4321A>T on transcript NM_024721.5 (MANE Select); coding-DNA position 4321, A replaced by T.
Protein change: p.Lys1441Ter; replaces lysine 1441 with a stop codon.
Molecular consequence: nonsense.
Genome position (GRCh38, 1-based): chr8:76,851,242, A>T. VCF-style: chr8-76851242-A-T. GRCh37 (hg19) VCF-style: chr8-77763478-A-T.
Other names: c.4243A>T, p.Lys1415Ter (NM_001410934.1); short protein forms K1415*, K1441*.
Identifiers: ClinVar variation 4875357 (VCV004875357.2).